The following is an entry in ClinVar:

NM_004565.3(PEX14):c.1032G>T (p.Gly344=)

Gene: PEX14 (peroxisomal biogenesis factor 14; plus strand). Cytogenetic location: 1p36.22.
Variant type: single nucleotide variant.
Coding change: c.1032G>T on transcript NM_004565.3 (MANE Select); coding-DNA position 1032, G replaced by T.
Protein change: p.Gly344=; no amino-acid change (glycine 344 retained).
Molecular consequence: synonymous variant.
Genome position (GRCh38, 1-based): chr1:10,629,885, G>T. VCF-style: chr1-10629885-G-T. GRCh37 (hg19) VCF-style: chr1-10689942-G-T.
Identifiers: ClinVar variation 167454 (VCV000167454.22), dbSNP rs11539794, ClinGen allele CA180284.
Genomic context (GRCh38, chr1:10,629,885, plus strand): 5'-GGACGAGGAGGATGAGGAGGATGATGATGTGAGCCATGTGGACGAGGAGGACTGCCTGGG[G>T]GTGCAGAGGGAGGACCGCCGGGGCGGGGATGGGCAGATCAACGAGCAGGTGGAGAAGCTG-3'
Protein context (NP_004556.1, residues 334-354): VSHVDEEDCL[Gly344=]VQREDRRGGD

ClinVar aggregate classification (germline): Benign. Review status: criteria provided, multiple submitters, no conflicts (2 of 4 stars). 8 submissions from 8 submitters: Benign (7). 1 of the submissions does not count toward it. Last evaluated 2026-02-04.

Conditions:
Peroxisome biogenesis disorder, complementation group K (CGK). Identifiers: MedGen C1866257, MONDO:0800365.
Peroxisome biogenesis disorder 13A (Zellweger). Also called: Peroxisome biogenesis disorder 13A. Identifiers: Orphanet 912, MedGen C3554004, MONDO:0013952, OMIM 614887.

Allele frequency attached by ClinVar (database versions not stated): gnomAD 0.13417 and 0.13336; ExAC 0.15776; 1000 Genomes Project 30x 0.10119; TOPMed 0.12584; ESP Exome Variant Server 0.14082; 1000 Genomes Project 0.10363.
gnomAD v4.1: 279,044 of 1,612,824 alleles (17%); highest among the groups gnomAD compares: Middle Eastern, 22%; 25,665 homozygotes.

Submissions (8):

Labcorp Genetics (formerly Invitae), Labcorp
Classification: Benign for Peroxisome biogenesis disorder, complementation group K. Last evaluated: 2026-02-04. Review status: criteria provided, single submitter. Criteria: Invitae Variant Classification Sherloc (09022015). Collection method: clinical testing. Allele origin: germline.

Genome-Nilou Lab
Classification: Benign for Peroxisome biogenesis disorder 13A (Zellweger). Last evaluated: 2021-09-05. Review status: criteria provided, single submitter. Criteria: ACMG Guidelines, 2015. Collection method: clinical testing. Allele origin: germline. Affected: no.

GeneDx
Classification: Benign. Last evaluated: 2018-06-13. Review status: criteria provided, single submitter. Criteria: GeneDx Variant Classification (06012015). Collection method: clinical testing. Allele origin: germline. Affected: yes.
Comment: This variant is considered likely benign or benign based on one or more of the following criteria: it is a conservative change, it occurs at a poorly conserved position in the protein, it is predicted to be benign by multiple in silico algorithms, and/or has population frequency not consistent with disease.

Illumina Laboratory Services, Illumina
Classification: Benign for Peroxisome biogenesis disorder 13A (Zellweger). Last evaluated: 2018-01-13. Review status: criteria provided, single submitter. Criteria: ICSL Variant Classification Criteria 13 December 2019. Collection method: clinical testing. Allele origin: germline.
Comment: This variant was observed in the ICSL laboratory as part of a predisposition screen in an ostensibly healthy population. It had not been previously curated by ICSL or reported in the Human Gene Mutation Database (HGMD: prior to June 1st, 2018), and was therefore a candidate for classification through an automated scoring system. Utilizing variant allele frequency, disease prevalence and penetrance estimates, and inheritance mode, an automated score was calculated to assess if this variant is too frequent to cause the disease. Based on the score and internal cut-off values, a variant classified as benign is not then subjected to further curation. The score for this variant resulted in a classification of benign for this disease.

Eurofins Ntd Llc (ga)
Classification: Benign. Last evaluated: 2014-05-01. Review status: criteria provided, single submitter. Criteria: EGL Classification Definitions 2015. Collection method: clinical testing. Allele origin: germline. Observed: 1 variant allele, 1 homozygote.

Breakthrough Genomics
Classification: Benign. Review status: criteria provided, single submitter. Criteria: ACMG Guidelines, 2015. Collection method: not provided. Allele origin: germline. Inheritance: Autosomal recessive inheritance. Affected: yes.

PreventionGenetics, part of Exact Sciences
Classification: Benign. Review status: criteria provided, single submitter. Criteria: ACMG Guidelines, 2015. Collection method: clinical testing. Allele origin: germline.

Mayo Clinic Laboratories, Mayo Clinic
Classification: Benign. Last evaluated: 2015-12-15. Review status: no assertion criteria provided. Collection method: clinical testing. Allele origin: unknown. Not counted in ClinVar's aggregate classification.